The following is an entry in ClinVar:

ClinVar aggregate classification (germline): Uncertain significance (1 of 4 stars; one submission).

Conditions:
Mitochondrial hypertrophic cardiomyopathy with lactic acidosis due to MTO1 deficiency. Also called: CARDIOMYOPATHY, INFANTILE HYPERTROPHIC MITOCHONDRIAL, AND LACTIC ACIDOSIS; Combined oxidative phosphorylation deficiency 10. Identifiers: Orphanet 314637, MedGen C4749921, MONDO:0013865, OMIM 614702.

Allele frequency attached by ClinVar (database versions not stated): gnomAD exomes below 0.00001; ExAC 0.00001.
gnomAD v4.1: 6 of 1,594,120 alleles (0.00038%); highest among the groups gnomAD compares: Non-Finnish European, 0.00051%; no homozygotes.

Submission:

Labcorp Genetics (formerly Invitae), Labcorp
Classification: Uncertain significance for Mitochondrial hypertrophic cardiomyopathy with lactic acidosis due to MTO1 deficiency. Last evaluated: 2022-05-13. Review status: criteria provided, single submitter. Criteria: Invitae Variant Classification Sherloc (09022015). Collection method: clinical testing. Allele origin: germline.
Comment: The frequency data for this variant in the population databases is considered unreliable, as metrics indicate poor data quality at this position in the gnomAD database. This sequence change replaces glutamic acid, which is acidic and polar, with lysine, which is basic and polar, at codon 689 of the MTO1 protein (p.Glu689Lys). This variant has not been reported in the literature in individuals affected with MTO1-related conditions. In summary, the available evidence is currently insufficient to determine the role of this variant in disease. Therefore, it has been classified as a Variant of Uncertain Significance. Algorithms developed to predict the effect of missense changes on protein structure and function output the following: SIFT: "Tolerated"; PolyPhen-2: "Benign"; Align-GVGD: "Class C0". The lysine amino acid residue is found in multiple mammalian species, which suggests that this missense change does not adversely affect protein function.

NM_012123.4(MTO1):c.2065G>A (p.Glu689Lys)

Gene: MTO1 (mitochondrial tRNA translation optimization 1; plus strand). Cytogenetic location: 6q13.
Variant type: single nucleotide variant.
Coding change: c.2065G>A on transcript NM_012123.4 (MANE Select); coding-DNA position 2065, G replaced by A.
Protein change: p.Glu689Lys; replaces glutamic acid 689 with lysine.
Molecular consequence: missense variant.
Genome position (GRCh38, 1-based): chr6:73,500,721, G>A. VCF-style: chr6-73500721-G-A. GRCh37 (hg19) VCF-style: chr6-74210444-G-A.
Other names: c.2185G>A, p.Glu729Lys (NM_001123226.2); c.2140G>A, p.Glu714Lys (NM_133645.3); short protein forms E689K, E714K, E729K.
Identifiers: ClinVar variation 2130556 (VCV002130556.4), dbSNP rs781497481, ClinGen allele CA3889820.